The following is an entry in ClinVar:

ClinVar aggregate classification (germline): Uncertain significance. Review status: criteria provided, multiple submitters, no conflicts (2 of 4 stars). 4 submissions from 4 submitters: Uncertain significance (4). Last evaluated 2025-07-21.

Conditions:
RYR1-related disorder. Also called: RYR1-related disorders; RYR1-related condition. Identifiers: MedGen CN239331.
Congenital multicore myopathy with external ophthalmoplegia (CMYO1B). Also called: MULTIMINICORE DISEASE WITH EXTERNAL OPHTHALMOPLEGIA; Congenital myopathy 1B, autosomal recessive; Minicore myopathy; Minicore myopathy with external ophthalmoplegia; MULTICORE MYOPATHY. Identifiers: Orphanet 598, Orphanet 98905, MedGen C1850674, MONDO:0009712, OMIM 255320, HP:0003789.
Congenital myopathy with fiber type disproportion. Also called: Congenital fiber-type disproportion myopathy; Congenital fiber-type disproportion. Identifiers: Orphanet 2020, MedGen C0546264, MONDO:0009711. Inheritance: all.
Malignant hyperthermia, susceptibility to, 1 (MHS1). Also called: Anesthesia related hyperthermia; Malignant hyperpyrexia; Fulminating hyperpyrexia; Pharmacogenic myopathy; RYR1-Related Malignant Hyperthermia Susceptibility; Malignant hyperthermia suceptibility 1. Identifiers: Orphanet 423, MedGen C2930980, MONDO:0007783, OMIM 145600.
Central core myopathy (CMYO1A). Also called: CONGENITAL MYOPATHY 1A, AUTOSOMAL DOMINANT, WITH SUSCEPTIBILITY TO MALIGNANT HYPERTHERMIA; Central core disease; Myopathy, central fibrillar. Identifiers: Orphanet 597, MedGen C5830701, MONDO:0007294, OMIM 117000.
King Denborough syndrome (KDS). Identifiers: MedGen C1840365, MONDO:0020485, OMIM 619542.

Allele frequency attached by ClinVar (database versions not stated): ExAC 0.00001; gnomAD exomes 0.00001; gnomAD 0.00004; TOPMed 0.00004; 1000 Genomes Project 0.00040; 1000 Genomes Project 30x 0.00047.
gnomAD v4.1: 17 of 1,613,798 alleles (0.0011%); highest among the groups gnomAD compares: African/African-American, 0.012%; no homozygotes.

Submissions (4):

Labcorp Genetics (formerly Invitae), Labcorp
Classification: Uncertain significance for RYR1-related disorder. Last evaluated: 2025-07-21. Review status: criteria provided, single submitter. Criteria: Invitae Variant Classification Sherloc (09022015). Collection method: clinical testing. Allele origin: germline.
Comment: This sequence change replaces glutamic acid, which is acidic and polar, with lysine, which is basic and polar, at codon 1424 of the RYR1 protein (p.Glu1424Lys). This variant is present in population databases (rs543630280, gnomAD 0.01%). This missense change has been observed in individual(s) with clinical features of malignant hyperthermia susceptibility (PMID: 31559918). ClinVar contains an entry for this variant (Variation ID: 590530). Invitae Evidence Modeling of protein sequence and biophysical properties (such as structural, functional, and spatial information, amino acid conservation, physicochemical variation, residue mobility, and thermodynamic stability) indicates that this missense variant is not expected to disrupt RYR1 protein function with a negative predictive value of 80%. In summary, the available evidence is currently insufficient to determine the role of this variant in disease. Therefore, it has been classified as a Variant of Uncertain Significance.

Color Diagnostics, LLC DBA Color Health
Classification: Uncertain significance for Malignant hyperthermia, susceptibility to, 1. Last evaluated: 2023-10-13. Review status: criteria provided, single submitter. Criteria: ACMG Guidelines, 2015. Collection method: clinical testing. Allele origin: germline.
Comment: This missense variant replaces glutamic acid with lysine at codon 1424 of the RYR1 protein. Computational prediction is inconclusive regarding the impact of this variant on protein structure and function. To our knowledge, functional studies have not been reported for this variant. This variant has been reported in one individual who did not show malignant hyperthermia susceptibility in in-vitro contracture testing (PMID: 31559918). This variant has been identified in 4/282212 chromosomes in the general population by the Genome Aggregation Database (gnomAD). The available evidence is insufficient to determine the role of this variant in disease conclusively. Therefore, this variant is classified as a Variant of Uncertain Significance.

Fulgent Genetics
Classification: Uncertain significance for Central core myopathy; Malignant hyperthermia, susceptibility to, 1; Congenital myopathy 4A, autosomal dominant; Congenital multicore myopathy with external ophthalmoplegia; King Denborough syndrome. Last evaluated: 2021-09-01. Review status: criteria provided, single submitter. Criteria: ACMG Guidelines, 2015. Collection method: clinical testing. Allele origin: unknown.

PreventionGenetics, part of Exact Sciences
Classification: Uncertain significance. Last evaluated: 2017-10-20. Review status: criteria provided, single submitter. Criteria: ACMG Guidelines, 2015. Collection method: clinical testing. Allele origin: germline.

Literature cited by the submitters: PubMed 31559918 (cited by Labcorp Genetics (formerly Invitae), Labcorp and Color Diagnostics, LLC DBA Color Health).

NM_000540.3(RYR1):c.4270G>A (p.Glu1424Lys)

Gene: RYR1 (ryanodine receptor 1; plus strand). Cytogenetic location: 19q13.2.
Variant type: single nucleotide variant.
Coding change: c.4270G>A on transcript NM_000540.3 (MANE Select); coding-DNA position 4270, G replaced by A.
Protein change: p.Glu1424Lys; replaces glutamic acid 1424 with lysine.
Molecular consequence: missense variant.
Genome position (GRCh38, 1-based): chr19:38,475,427, G>A. VCF-style: chr19-38475427-G-A. GRCh37 (hg19) VCF-style: chr19-38966067-G-A.
Other names: c.4270G>A, p.Glu1424Lys (NM_001042723.2); short protein forms E1424K.
Identifiers: ClinVar variation 590530 (VCV000590530.8), dbSNP rs543630280, ClinGen allele CA065819.